The following is an entry in ClinVar:

ClinVar aggregate classification (germline): Benign. Review status: criteria provided, multiple submitters, no conflicts (2 of 4 stars). 3 submissions from 3 submitters: Benign (3). Last evaluated 2026-02-01.

Allele frequency attached by ClinVar (database versions not stated): 1000 Genomes Project 0.00280; 1000 Genomes Project 30x 0.00281; TOPMed 0.00785; ExAC 0.00842; gnomAD exomes 0.00843 and 0.01180; gnomAD 0.00853 and 0.00881; ESP Exome Variant Server 0.01045.
gnomAD v4.1: 18,302 of 1,605,954 alleles (1.1%); highest among the groups gnomAD compares: Non-Finnish European, 1.4%; 106 homozygotes.

Submissions (3):

CeGaT Center for Human Genetics Tuebingen
Classification: Benign. Last evaluated: 2026-02-01. Review status: criteria provided, single submitter. Criteria: CeGaT Center For Human Genetics Tuebingen Variant Classification Criteria Version 2. Collection method: clinical testing. Allele origin: germline. Affected: yes. Observed: 6 variant alleles.
Comment: RABEP1: BP4, BS1, BS2

Labcorp Genetics (formerly Invitae), Labcorp
Classification: Benign. Last evaluated: 2017-10-17. Review status: criteria provided, single submitter. Criteria: Invitae Variant Classification Sherloc (09022015). Collection method: clinical testing. Allele origin: germline.

Breakthrough Genomics
Classification: Benign. Review status: criteria provided, single submitter. Criteria: ACMG Guidelines, 2015. Collection method: not provided. Allele origin: germline. Inheritance: Unknown mechanism. Affected: yes.

NM_004703.6(RABEP1):c.2371-4T>C

Gene: RABEP1 (rabaptin, RAB GTPase binding effector protein 1; plus strand). Cytogenetic location: 17p13.2.
Variant type: single nucleotide variant.
Coding change: c.2371-4T>C on transcript NM_004703.6 (MANE Select); 4 bases into the intron before coding-DNA position 2371, T replaced by C.
Molecular consequence: intron variant.
Genome position (GRCh38, 1-based): chr17:5,381,385, T>C. VCF-style: chr17-5381385-T-C. GRCh37 (hg19) VCF-style: chr17-5284680-T-C.
Other names: c.2272-4T>C (NM_001083585.3); c.2242-4T>C (NM_001291581.2).
Identifiers: ClinVar variation 771203 (VCV000771203.17), dbSNP rs112097489, ClinGen allele CA8323854.
Genomic context (GRCh38, chr17:5,381,385, plus strand): 5'-ACTGGATTTCCTAAGTAATTCGGCCCTTTGGCATTAATCTTCATTCAAAACTTGTATTTT[T>C]TAGGCTACCGTTGAACAACTAATGTTTGAAGAGAAGAATAAAGCTCAGAGATTACAGACA-3'